The following is an entry in ClinVar:

NM_004114.5(FGF13):c.5C>A (p.Ala2Glu)

Gene: FGF13 (fibroblast growth factor 13; minus strand). Cytogenetic location: Xq26.3.
Variant type: single nucleotide variant.
Coding change: c.5C>A on transcript NM_004114.5 (MANE Select); coding-DNA position 5, C replaced by A.
Protein change: p.Ala2Glu; replaces alanine 2 with glutamic acid.
Molecular consequence: missense variant. On other transcripts: intron variant (5).
Genome position (GRCh38, 1-based): chrX:138,710,999, G>T on the plus strand (C>A on the coding strand, the complement: FGF13 is on the minus strand). VCF-style: chrX-138710999-G-T. GRCh37 (hg19) VCF-style: chrX-137793161-G-T.
Other names: c.50-2071C>A (NM_001139498.2); c.218-2071C>A (NM_001139500.2); c.131-2071C>A (NM_001139501.2, NM_001139502.2); c.29-2071C>A (NM_033642.3); short protein forms A2E.
Identifiers: ClinVar variation 2446541 (VCV002446541.1), dbSNP rs2520981115, ClinGen allele CA414463393.

ClinVar aggregate classification (germline): Uncertain significance (1 of 4 stars; one submission).

Submission:

GeneDx
Classification: Uncertain significance. Last evaluated: 2023-03-02. Review status: criteria provided, single submitter. Criteria: GeneDx Variant Classification Process June 2021. Collection method: clinical testing. Allele origin: germline. Affected: yes.
Comment: Not observed in large population cohorts (gnomAD); In silico analysis supports that this missense variant does not alter protein structure/function; Has not been previously published as pathogenic or benign to our knowledge